The following is an entry in ClinVar:

NM_024867.4(SPEF2):c.4513A>G (p.Asn1505Asp)

Gene: SPEF2 (sperm flagellar 2; plus strand). Cytogenetic location: 5p13.2.
Variant type: single nucleotide variant.
Coding change: c.4513A>G on transcript NM_024867.4 (MANE Select); coding-DNA position 4513, A replaced by G.
Protein change: p.Asn1505Asp; replaces asparagine 1505 with aspartic acid.
Molecular consequence: missense variant.
Genome position (GRCh38, 1-based): chr5:35,792,405, A>G. VCF-style: chr5-35792405-A-G. GRCh37 (hg19) VCF-style: chr5-35792507-A-G.
Other names: short protein forms N1505D.
Identifiers: ClinVar variation 3037048 (VCV003037048.3), dbSNP rs188135653, ClinGen allele CA3231514.

ClinVar aggregate classification (germline): Uncertain significance. Review status: criteria provided, single submitter (1 of 4 stars). 2 submissions from 2 submitters: Uncertain significance (1). 1 of the submissions does not count toward it. Last evaluated 2025-09-11.

Conditions:
SPEF2-related disorder. Also called: SPEF2-related condition.
Inborn genetic diseases. Identifiers: MedGen C0950123, MeSH D030342.

Allele frequency attached by ClinVar (database versions not stated): ExAC 0.00018; 1000 Genomes Project 30x 0.00062; TOPMed 0.00063; gnomAD exomes 0.00007; gnomAD 0.00066; ESP Exome Variant Server 0.00067; 1000 Genomes Project 0.00080.
gnomAD v4.1: 199 of 1,613,870 alleles (0.012%); highest among the groups gnomAD compares: African/African-American, 0.25%; no homozygotes.

Submissions (2):

Ambry Genetics
Classification: Uncertain significance for Inborn genetic diseases. Last evaluated: 2025-09-11. Review status: criteria provided, single submitter. Criteria: Ambry Variant Classification Scheme 2023. Collection method: clinical testing. Allele origin: germline.

PreventionGenetics, part of Exact Sciences
Classification: Likely benign for SPEF2-related condition. Last evaluated: 2022-12-28. Review status: no assertion criteria provided. Collection method: clinical testing. Allele origin: germline. Not counted in ClinVar's aggregate classification.
Comment: This variant is classified as likely benign based on ACMG/AMP sequence variant interpretation guidelines (Richards et al. 2015 PMID: 25741868, with internal and published modifications).